The following is an entry in ClinVar:

NM_000274.4(OAT):c.175C>T (p.Pro59Ser)

Gene: OAT (ornithine aminotransferase; minus strand). Cytogenetic location: 10q26.13.
Variant type: single nucleotide variant.
Coding change: c.175C>T on transcript NM_000274.4 (MANE Select); coding-DNA position 175, C replaced by T.
Protein change: p.Pro59Ser; replaces proline 59 with serine.
Molecular consequence: missense variant. On other transcripts: intron variant (2).
Genome position (GRCh38, 1-based): chr10:124,411,997, G>A on the plus strand (C>T on the coding strand, the complement: OAT is on the minus strand). VCF-style: chr10-124411997-G-A. GRCh37 (hg19) VCF-style: chr10-126100566-G-A.
Other names: c.175C>T, p.Pro59Ser (NM_001322965.2, NM_001322966.2, NM_001322967.2 and 4 more transcripts); c.-215-3032C>T (NM_001171814.2); c.-515-3032C>T (NM_001322974.2); short protein forms P59S.
Identifiers: ClinVar variation 2181242 (VCV002181242.2), dbSNP rs2494523545, ClinGen allele CA378638024.

ClinVar aggregate classification (germline): Uncertain significance (1 of 4 stars; one submission).

Conditions:
Ornithine aminotransferase deficiency (GACR). Also called: HYPERORNITHINEMIA WITH GYRATE ATROPHY OF CHOROID AND RETINA; OAT DEFICIENCY; OKT DEFICIENCY; Ornithine ketoacid aminotransferase deficiency; Gyrate atrophy; Gyrate atrophy of choroid and retina. Identifiers: Orphanet 414, MedGen C0018425, MONDO:0009796, OMIM 258870.

Submission:

Labcorp Genetics (formerly Invitae), Labcorp
Classification: Uncertain significance for Ornithine aminotransferase deficiency. Last evaluated: 2022-09-06. Review status: criteria provided, single submitter. Criteria: Invitae Variant Classification Sherloc (09022015). Collection method: clinical testing. Allele origin: germline.
Comment: In summary, the available evidence is currently insufficient to determine the role of this variant in disease. Therefore, it has been classified as a Variant of Uncertain Significance. Algorithms developed to predict the effect of missense changes on protein structure and function (SIFT, PolyPhen-2, Align-GVGD) all suggest that this variant is likely to be disruptive. This variant has not been reported in the literature in individuals affected with OAT-related conditions. This variant is not present in population databases (gnomAD no frequency). This sequence change replaces proline, which is neutral and non-polar, with serine, which is neutral and polar, at codon 59 of the OAT protein (p.Pro59Ser).